The following is an entry in ClinVar:

NM_000059.4(BRCA2):c.-40+6T>G

Genes: BRCA2 (BRCA2 DNA repair associated; plus strand), LOC106721785 (BRCA2 promoter/silencer region; plus strand). Cytogenetic location: 13q13.1.
Variant type: single nucleotide variant.
Coding change: c.-40+6T>G on transcript NM_000059.4 (MANE Select); 6 bases into the intron after 40 bases upstream of the start codon, T replaced by G.
Molecular consequence: intron variant.
Genome position (GRCh38, 1-based): chr13:32,315,673, T>G. VCF-style: chr13-32315673-T-G. GRCh37 (hg19) VCF-style: chr13-32889810-T-G.
Other names: c.-40+528T>G (NM_001432077.1); c.-40+6T>G (NM_001406720.1, NM_001406719.1, NM_001406721.1); c.-303+6T>G (NM_001406722.1).
Identifiers: ClinVar variation 4714317 (VCV004714317.1).

ClinVar aggregate classification (germline): Uncertain significance (1 of 4 stars; one submission).

Conditions:
Hereditary breast ovarian cancer syndrome. Also called: BRCA1- and BRCA2-Associated Hereditary Breast and Ovarian Cancer; Breast and ovarian cancer; Hereditary breast and ovarian cancer syndrome; Hereditary breast and ovarian cancer syndrome (HBOC); Hereditary breast and/or ovarian cancer syndrome; Hereditary breast and ovarian cancer. Identifiers: Orphanet 145, MedGen C0677776, MeSH D061325, MONDO:0003582. Disease mechanism: loss of function.

Submission:

Labcorp Genetics (formerly Invitae), Labcorp
Classification: Uncertain significance for Hereditary breast ovarian cancer syndrome. Last evaluated: 2025-03-04. Review status: criteria provided, single submitter. Criteria: Invitae Variant Classification Sherloc (09022015). Collection method: clinical testing. Allele origin: germline.
Comment: This variant occurs in a non-coding region of the BRCA2 gene. It does not change the encoded amino acid sequence of the BRCA2 protein. It affects a nucleotide within the consensus splice site. This variant is not present in population databases (gnomAD no frequency). This variant has not been reported in the literature in individuals affected with BRCA2-related conditions. Variants that disrupt the consensus splice site are a relatively common cause of aberrant splicing (PMID: 17576681, 9536098). Algorithms developed to predict the effect of sequence changes on RNA splicing suggest that this variant may disrupt the consensus splice site. In summary, the available evidence is currently insufficient to determine the role of this variant in disease. Therefore, it has been classified as a Variant of Uncertain Significance.

Literature cited by the submitters: PubMed 17576681; PubMed 9536098.